The following is an entry in ClinVar:

NM_000138.5(FBN1):c.2089C>T (p.Gln697Ter)

Gene: FBN1 (fibrillin 1; minus strand). Cytogenetic location: 15q21.1.
Variant type: single nucleotide variant.
Coding change: c.2089C>T on transcript NM_000138.5 (MANE Select); coding-DNA position 2089, C replaced by T.
Protein change: p.Gln697Ter; replaces glutamine 697 with a stop codon.
Molecular consequence: nonsense.
Genome position (GRCh38, 1-based): chr15:48,503,811, G>A on the plus strand (C>T on the coding strand, the complement: FBN1 is on the minus strand). VCF-style: chr15-48503811-G-A. GRCh37 (hg19) VCF-style: chr15-48796008-G-A.
Other names: short protein forms Q697*.
Identifiers: ClinVar variation 406355 (VCV000406355.8), dbSNP rs1060501082, ClinGen allele CA16614443.
Genomic context (GRCh38, chr15:48,503,811, plus strand): 5'-CTGGCAGTACGAGGGCATCTCCATGATACCACATACCTGAATTCTGTGCAGGACACGGCT[G>A]GCAAGGTTCCCCAAATGCATACTCAGTGCTGGCGCAACAGCATTCAGATTTAGTGACAGC-3'

ClinVar aggregate classification (germline): Pathogenic (1 of 4 stars; one submission).

Conditions:
Marfan syndrome (MFS). Also called: Marfan syndrome, classic; Marfan syndrome type 1; Marfan's syndrome; MARFAN SYNDROME, TYPE I; FBN1-Related Marfan Syndrome. Identifiers: Orphanet 284963, Orphanet 558, MedGen C0024796, MONDO:0007947, OMIM 154700.
Familial thoracic aortic aneurysm and aortic dissection (TAAD). Also called: Thoracic aortic aneurysms and dissections. Identifiers: Orphanet 91387, MedGen C4707243, MONDO:0019625.

Submission:

Labcorp Genetics (formerly Invitae), Labcorp
Classification: Pathogenic for Marfan syndrome; Familial thoracic aortic aneurysm and aortic dissection. Last evaluated: 2022-07-25. Review status: criteria provided, single submitter. Criteria: Invitae Variant Classification Sherloc (09022015). Collection method: clinical testing. Allele origin: germline.
Comment: This variant is not present in population databases (gnomAD no frequency). For these reasons, this variant has been classified as Pathogenic. Algorithms developed to predict the effect of sequence changes on RNA splicing suggest that this variant may disrupt the consensus splice site. ClinVar contains an entry for this variant (Variation ID: 406355). This variant has not been reported in the literature in individuals affected with FBN1-related conditions. This sequence change creates a premature translational stop signal (p.Gln697*) in the FBN1 gene. It is expected to result in an absent or disrupted protein product. Loss-of-function variants in FBN1 are known to be pathogenic (PMID: 17657824, 19293843).

Literature cited by the submitters: PubMed 17657824; PubMed 19293843.